The following is an entry in ClinVar:

ClinVar aggregate classification (germline): Uncertain significance. Review status: reviewed by expert panel (3 of 4 stars). 5 submissions from 5 submitters: Uncertain significance (1). 4 of the submissions do not count toward it. Last evaluated 2026-06-23.

Conditions:
Hereditary cancer-predisposing syndrome. Also called: Tumor predisposition; Hereditary Cancer Syndrome; Neoplastic Syndromes, Hereditary; Hereditary neoplastic syndrome. Identifiers: Orphanet 140162, MedGen C0027672, MeSH D009386, MONDO:0015356.
DICER1-related tumor predisposition. Also called: DICER1 syndrome; DICER1-related pleuropulmonary blastoma cancer predisposition syndrome. Identifiers: Orphanet 284343, MedGen C3839822, MONDO:0100216.

Submissions (5):

ClinGen DICER1 and miRNA-Processing Gene Variant Curation Expert Panel, ClinGen
Classification: Uncertain significance for DICER1-related tumor predisposition. Last evaluated: 2026-06-23. Review status: reviewed by expert panel. Criteria: ClinGen DICER1 ACMG Specifications DICER1 V1.4.0. Collection method: curation. Allele origin: germline. Inheritance: Autosomal dominant inheritance.
Comment: The NM_177438.3(DICER1):c.818A>C variant in DICER1 is a missense variant predicted to replace glutamic acid with alanine at codon 273 (p.Glu273Ala). Although this variant has been observed in individuals undergoing genetic sequencing, to our knowledge, this variant has not been reported in individuals with DICER1-related tumor predisposition (PS4 not met; Internal lab contributors). This variant is absent from gnomAD v4.1.0 (PM2_Supporting). In silico tools predict no damaging impact of the variant on protein function (REVEL: 0.185; MaxEntScan and SpliceAI: no effect on splicing) (BP4). In summary, this variant meets the criteria to be classified as Uncertain Significance for DICER1-related tumor predisposition based on the ACMG/AMP criteria applied, as specified by the ClinGen DICER1 VCEP: PM2_Supporting, BP4. (Bayesian Points: 0; VCEP specifications version 1.4.0; 06/23/2026).

Labcorp Genetics (formerly Invitae), Labcorp
Classification: Uncertain significance for DICER1-related tumor predisposition. Last evaluated: 2025-11-10. Review status: criteria provided, single submitter. Criteria: Invitae Variant Classification Sherloc (09022015). Collection method: clinical testing. Allele origin: germline. Not counted in ClinVar's aggregate classification.
Comment: This sequence change replaces glutamic acid, which is acidic and polar, with alanine, which is neutral and non-polar, at codon 273 of the DICER1 protein (p.Glu273Ala). This variant is not present in population databases (gnomAD no frequency). This variant has not been reported in the literature in individuals affected with DICER1-related conditions. ClinVar contains an entry for this variant (Variation ID: 570615). Invitae Evidence Modeling of protein sequence and biophysical properties (such as structural, functional, and spatial information, amino acid conservation, physicochemical variation, residue mobility, and thermodynamic stability) indicates that this missense variant is not expected to disrupt DICER1 protein function with a negative predictive value of 95%. In summary, the available evidence is currently insufficient to determine the role of this variant in disease. Therefore, it has been classified as a Variant of Uncertain Significance.

Ambry Genetics
Classification: Uncertain significance for Hereditary cancer-predisposing syndrome. Last evaluated: 2025-03-29. Review status: criteria provided, single submitter. Criteria: Ambry Variant Classification Scheme 2023. Collection method: clinical testing. Allele origin: germline. Not counted in ClinVar's aggregate classification.
Comment: The p.E273A variant (also known as c.818A>C), located in coding exon 6 of the DICER1 gene, results from an A to C substitution at nucleotide position 818. The glutamic acid at codon 273 is replaced by alanine, an amino acid with dissimilar properties. This amino acid position is highly conserved in available vertebrate species. In addition, the in silico prediction for this alteration is inconclusive. Based on the available evidence, the clinical significance of this variant remains unclear.

Quest Diagnostics Nichols Institute San Juan Capistrano
Classification: Uncertain significance. Last evaluated: 2024-08-24. Review status: criteria provided, single submitter. Criteria: Quest Diagnostics criteria. Collection method: clinical testing. Allele origin: unknown. Not counted in ClinVar's aggregate classification.
Comment: The DICER1 c.818A>C (p.Glu273Ala) variant has not been reported in individuals with DICER1-related conditions in the published literature. It also has not been reported in large, multi-ethnic general populations (Genome Aggregation Database). Analysis of this variant using bioinformatics tools for the prediction of the effect of amino acid changes on protein structure and function yielded conflicting predictions that this variant is deleterious or benign. Based on the available information, we are unable to determine the clinical significance of this variant.

Sema4
Classification: Uncertain significance for Hereditary cancer-predisposing syndrome. Last evaluated: 2021-10-21. Review status: criteria provided, single submitter. Criteria: Sema4 Curation Guidelines. Collection method: curation. Allele origin: germline. Not counted in ClinVar's aggregate classification.
Comment: The DICER1 c.818A>C (p.E273A) variant has not been reported in the literature to our knowledge. It was not observed in the large and broad cohorts of the Genome Aggregation Database (PMID: 32461654). The variant has been reported in ClinVar (Variation ID 570615). Functional studies have not been performed, and in silico predictions of the variant's effect on protein function are inconclusive. The evidence is insufficient to meet ACMG/AMP criteria for classifying the variant as benign or pathogenic. Thus, the clinical significance of this variant is currently uncertain.

NM_177438.3(DICER1):c.818A>C (p.Glu273Ala)

Gene: DICER1 (dicer 1, ribonuclease III; minus strand). Cytogenetic location: 14q32.13.
Variant type: single nucleotide variant.
Coding change: c.818A>C on transcript NM_177438.3 (MANE Select); coding-DNA position 818, A replaced by C.
Protein change: p.Glu273Ala; replaces glutamic acid 273 with alanine.
Molecular consequence: missense variant.
Genome position (GRCh38, 1-based): chr14:95,126,665, T>G on the plus strand (A>C on the coding strand, the complement: DICER1 is on the minus strand). VCF-style: chr14-95126665-T-G. GRCh37 (hg19) VCF-style: chr14-95593002-T-G.
Other names: NM_177438.3(DICER1):c.818A>C; p.Glu273Ala; c.818A>C, p.Glu273Ala (NM_001195573.1, NM_001271282.3, NM_001291628.2 and 1 more transcripts); short protein forms E273A.
Identifiers: ClinVar variation 570615 (VCV000570615.16), dbSNP rs1566806827, ClinGen allele CA390887653.
Genomic context (GRCh38, chr14:95,126,665, plus strand): 5'-CTTTCTTTTGAATGTACAGATATATTACAATCATTGATAAAATTAAGTGCTTCTTCTAAT[T>G]CCATCAGCAGTCTTTCATAAAGCCCACTTCTGTCAGTAAATGGTCCACAATCCACCACAA-3'
Protein context (NP_803187.1, residues 263-283): RSGLYERLLM[Glu273Ala]LEEALNFIND